The following is an entry in ClinVar:

ClinVar aggregate classification (germline): Pathogenic. Review status: criteria provided, multiple submitters, no conflicts (2 of 4 stars). 5 submissions from 5 submitters: Pathogenic (3). 2 of the submissions do not count toward it. Last evaluated 2024-03-02.

Conditions:
LAMA2-related muscular dystrophy (LAMA2-RD). Also called: Laminin alpha 2-related dystrophy. Identifiers: MedGen C5679788, MONDO:0100228.
LAMA2-related disorder. Also called: LAMA2-related disorders; LAMA2-related condition.
Merosin deficient congenital muscular dystrophy (MDC1A). Also called: Congenital merosin-deficient muscular dystrophy 1A; Congenital Muscular Dystrophy Type 1A (MDC1A). Identifiers: Orphanet 258, MedGen C1263858, MONDO:0011925, OMIM 607855.

Allele frequency attached by ClinVar (database versions not stated): gnomAD exomes below 0.00001.
gnomAD v4.1: 5 of 1,614,086 alleles (0.00031%); highest among the groups gnomAD compares: Non-Finnish European, 0.00034%; no homozygotes.

Submissions (5):

Baylor Genetics
Classification: Pathogenic for Merosin deficient congenital muscular dystrophy. Last evaluated: 2024-03-02. Review status: criteria provided, single submitter. Criteria: ACMG Guidelines, 2015. Collection method: clinical testing. Allele origin: unknown.

Labcorp Genetics (formerly Invitae), Labcorp
Classification: Pathogenic for LAMA2-related muscular dystrophy. Last evaluated: 2023-12-28. Review status: criteria provided, single submitter. Criteria: Invitae Variant Classification Sherloc (09022015). Collection method: clinical testing. Allele origin: germline.
Comment: This sequence change creates a premature translational stop signal (p.Gln95*) in the LAMA2 gene. It is expected to result in an absent or disrupted protein product. Loss-of-function variants in LAMA2 are known to be pathogenic (PMID: 18700894, 32904964). This variant is not present in population databases (gnomAD no frequency). This premature translational stop signal has been observed in individual(s) with congenital muscular dystrophy (PMID: 16216942, 24611677). ClinVar contains an entry for this variant (Variation ID: 557249). For these reasons, this variant has been classified as Pathogenic.

Revvity Omics, Revvity
Classification: Pathogenic. Last evaluated: 2019-05-13. Review status: criteria provided, single submitter. Criteria: ACMG Guidelines, 2015. Collection method: clinical testing. Allele origin: germline.

PreventionGenetics, part of Exact Sciences
Classification: Pathogenic for LAMA2-related condition. Last evaluated: 2024-07-31. Review status: no assertion criteria provided. Collection method: clinical testing. Allele origin: germline. Not counted in ClinVar's aggregate classification.
Comment: The LAMA2 c.283C>T variant is predicted to result in premature protein termination (p.Gln95*). This variant was reported in the homozygous and compound heterozygous state in two individuals with congenital muscular dystrophy, type 1A (Table 2, Di Blasi et al. 2005. PubMed ID: 16216942; Table 2, Xiong et al. 2014. PubMed ID: 24611677). This variant has not been reported in a large population database, indicating this variant is rare. Nonsense variants in LAMA2 are expected to be pathogenic. It is interpreted as likely pathogenic/pathogenic in ClinVar. This variant is interpreted as pathogenic.

Counsyl
Classification: Likely pathogenic for Merosin deficient congenital muscular dystrophy. Last evaluated: 2018-03-19. Review status: no assertion criteria provided. Collection method: clinical testing. Allele origin: unknown. Not counted in ClinVar's aggregate classification.

Literature cited by the submitters: PubMed 18700894 (cited by Labcorp Genetics (formerly Invitae), Labcorp); PubMed 32904964 (cited by Labcorp Genetics (formerly Invitae), Labcorp); PubMed 16216942 (cited by Labcorp Genetics (formerly Invitae), Labcorp and Counsyl); PubMed 24611677 (cited by Labcorp Genetics (formerly Invitae), Labcorp); PubMed 25525159 (cited by Counsyl).

NM_000426.4(LAMA2):c.283C>T (p.Gln95Ter)

Gene: LAMA2 (laminin subunit alpha 2; plus strand). Cytogenetic location: 6q22.33.
Variant type: single nucleotide variant.
Coding change: c.283C>T on transcript NM_000426.4 (MANE Select); coding-DNA position 283, C replaced by T.
Protein change: p.Gln95Ter; replaces glutamine 95 with a stop codon.
Molecular consequence: nonsense.
Genome position (GRCh38, 1-based): chr6:129,050,088, C>T. VCF-style: chr6-129050088-C-T. GRCh37 (hg19) VCF-style: chr6-129371233-C-T.
Other names: c.283C>T, p.Gln95Ter (NM_001079823.2); short protein forms Q95*.
Identifiers: ClinVar variation 557249 (VCV000557249.17), dbSNP rs1018100729, ClinGen allele CA147269490.